The following is an entry in ClinVar:

ClinVar aggregate classification (germline): Uncertain significance. Review status: criteria provided, multiple submitters, no conflicts (2 of 4 stars). 2 submissions from 2 submitters: Uncertain significance (2). Last evaluated 2025-11-06.

Conditions:
Intellectual developmental disorder, autosomal dominant 1. Also called: Intellectual disability, autosomal dominant 1; MBD5 Haploinsufficiency. Identifiers: Orphanet 228402, MedGen C1969562, MONDO:0007974, OMIM 156200.

Allele frequency attached by ClinVar (database versions not stated): gnomAD exomes below 0.00001 and 0.00001; ExAC 0.00002; gnomAD 0.00008 and 0.00009; TOPMed 0.00014; ESP Exome Variant Server 0.00015.
gnomAD v4.1: 19 of 1,613,830 alleles (0.0012%); highest among the groups gnomAD compares: African/African-American, 0.023%; no homozygotes.

Submissions (2):

Labcorp Genetics (formerly Invitae), Labcorp
Classification: Uncertain significance for Intellectual developmental disorder, autosomal dominant 1. Last evaluated: 2025-11-06. Review status: criteria provided, single submitter. Criteria: Invitae Variant Classification Sherloc (09022015). Collection method: clinical testing. Allele origin: germline.
Comment: This sequence change replaces proline, which is neutral and non-polar, with threonine, which is neutral and polar, at codon 753 of the MBD5 protein (p.Pro753Thr). This variant is present in population databases (rs370340010, gnomAD 0.02%). This variant has not been reported in the literature in individuals affected with MBD5-related conditions. ClinVar contains an entry for this variant (Variation ID: 206083). Invitae Evidence Modeling of protein sequence and biophysical properties (such as structural, functional, and spatial information, amino acid conservation, physicochemical variation, residue mobility, and thermodynamic stability) indicates that this missense variant is not expected to disrupt MBD5 protein function with a negative predictive value of 80%. In summary, the available evidence is currently insufficient to determine the role of this variant in disease. Therefore, it has been classified as a Variant of Uncertain Significance.

GeneDx
Classification: Uncertain significance. Last evaluated: 2017-07-26. Review status: criteria provided, single submitter. Criteria: GeneDx Variant Classification (06012015). Collection method: clinical testing. Allele origin: germline. Affected: yes.
Comment: p.Pro753Thr (CCT>ACT): c.2257 C>A in exon 9 of the MBD5 gene (NM_018328.4) The P753T variant has not been published as a mutation, nor has it been reported as a benign polymorphism to our knowledge. The P753T variant was not observed with any significant frequency in approximately 6,500 individuals of European and African American ancestry in the NHLBI Exome Sequencing Project. The P753T variant is a non-conservative amino acid substitution, which is likely to impact secondary protein structure as these residues differ in polarity, charge, size and/or other properties. This substitution occurs at a position that is conserved across mammals. However, to our knowledge, only deletions and frameshift mutations in MBD5 have been published in association with epilepsy. In silico analysis is inconsistent in its predictions as to whether or not the variant is damaging to the protein structure/function. Therefore, based on the currently available information, it is unclear whether this variant is a pathogenic mutation or a rare benign variant. The variant is found in EPILEPSY panel(s).

NM_001378120.1(MBD5):c.2257C>A (p.Pro753Thr)

Gene: MBD5 (methyl-CpG binding domain protein 5; plus strand). Cytogenetic location: 2q23.1.
Variant type: single nucleotide variant.
Coding change: c.2257C>A on transcript NM_001378120.1 (MANE Select); coding-DNA position 2257, C replaced by A.
Protein change: p.Pro753Thr; replaces proline 753 with threonine.
Molecular consequence: missense variant.
Genome position (GRCh38, 1-based): chr2:148,470,200, C>A. VCF-style: chr2-148470200-C-A. GRCh37 (hg19) VCF-style: chr2-149227769-C-A.
Other names: p.P753T:CCT>ACT; c.2257C>A, p.Pro753Thr (NM_018328.5); short protein forms P753T.
Identifiers: ClinVar variation 206083 (VCV000206083.10), dbSNP rs370340010, ClinGen allele CA315822.